The following is an entry in ClinVar:

ClinVar aggregate classification (germline): Pathogenic (1 of 4 stars; one submission).

Conditions:
Inflammatory bowel disease 25. Also called: Inflammatory bowel disease 25, early onset, autosomal recessive. Identifiers: Orphanet 238569, MedGen C2675508, MONDO:0012941, OMIM 612567.

Allele frequency attached by ClinVar (database versions not stated): gnomAD 0.00001; TOPMed 0.00002.
gnomAD v4.1: 15 of 1,614,002 alleles (0.00093%); highest among the groups gnomAD compares: Non-Finnish European, 0.0013%; no homozygotes.

Submission:

Labcorp Genetics (formerly Invitae), Labcorp
Classification: Pathogenic for Inflammatory bowel disease 25. Last evaluated: 2025-11-17. Review status: criteria provided, single submitter. Criteria: Invitae Variant Classification Sherloc (09022015). Collection method: clinical testing. Allele origin: germline.
Comment: This sequence change creates a premature translational stop signal (p.Ser230*) in the IL10RB gene. It is expected to result in an absent or disrupted protein product. Loss-of-function variants in IL10RB are known to be pathogenic (PMID: 22549091). This variant is present in population databases (no rsID available, gnomAD 0.0009%). This premature translational stop signal has been observed in individual(s) with inflammatory bowel disease (PMID: 22549091). ClinVar contains an entry for this variant (Variation ID: 935672). For these reasons, this variant has been classified as Pathogenic.

Literature cited by the submitters: PubMed 22549091.

NM_000628.5(IL10RB):c.689C>A (p.Ser230Ter)

Genes: IFNAR2-IL10RB (IFNAR2-IL10RB readthrough; plus strand), IL10RB (interleukin 10 receptor subunit beta; plus strand). Cytogenetic location: 21q22.11.
Variant type: single nucleotide variant.
Coding change: c.689C>A on transcript NM_000628.5 (MANE Select); coding-DNA position 689, C replaced by A.
Protein change: p.Ser230Ter; replaces serine 230 with a stop codon.
Molecular consequence: nonsense.
Genome position (GRCh38, 1-based): chr21:33,288,146, C>A. VCF-style: chr21-33288146-C-A. GRCh37 (hg19) VCF-style: chr21-34660451-C-A.
Other names: short protein forms S230*.
Identifiers: ClinVar variation 935672 (VCV000935672.8), dbSNP rs920292604, ClinGen allele CA320150040.
Genomic context (GRCh38, chr21:33,288,146, plus strand): 5'-GCCCATTACCCCTGGCAGAAACGGTCCCCTCCTGGATGGTGGCCGTCATCCTCATGGCCT[C>A]GGTCTTCATGGTCTGCCTGGCACTCCTCGGCTGCTTCGCCTTGCTGTGGTGCGTTTACAA-3'